The following is an entry in ClinVar:

NM_024675.4(PALB2):c.2076G>A (p.Gln692=)

Gene: PALB2 (partner and localizer of BRCA2; minus strand). Cytogenetic location: 16p12.2.
Variant type: single nucleotide variant.
Coding change: c.2076G>A on transcript NM_024675.4 (MANE Select); coding-DNA position 2076, G replaced by A.
Protein change: p.Gln692=; no amino-acid change (glutamine 692 retained).
Molecular consequence: synonymous variant.
Genome position (GRCh38, 1-based): chr16:23,630,078, C>T on the plus strand (G>A on the coding strand, the complement: PALB2 is on the minus strand). VCF-style: chr16-23630078-C-T. GRCh37 (hg19) VCF-style: chr16-23641399-C-T.
Identifiers: ClinVar variation 796970 (VCV000796970.15), dbSNP rs876660531, ClinGen allele CA279492821.

ClinVar aggregate classification (germline): Benign/Likely benign. Review status: criteria provided, multiple submitters, no conflicts (2 of 4 stars). 3 submissions from 3 submitters: Benign (1); Likely benign (2). Last evaluated 2025-01-15.

Conditions:
Hereditary cancer-predisposing syndrome. Also called: Neoplastic Syndromes, Hereditary; Hereditary neoplastic syndrome; Tumor predisposition; Hereditary Cancer Syndrome. Identifiers: Orphanet 140162, MedGen C0027672, MeSH D009386, MONDO:0015356.
Familial cancer of breast. Also called: hereditary breast carcinoma; Hereditary breast cancer; BREAST CANCER, FAMILIAL. Identifiers: Orphanet 227535, MedGen C0346153, MONDO:0016419, OMIM 114480. Disease mechanism: loss of function.

Submissions (3):

Myriad Genetics, Inc.
Classification: Benign for Familial cancer of breast. Last evaluated: 2025-01-15. Review status: criteria provided, single submitter. Criteria: Myriad Autosomal Dominant, Autosomal Recessive and X-Linked Classification Criteria (2023). Collection method: clinical testing. Allele origin: unknown.
Comment: This variant is considered benign. This variant is a silent/synonymous amino acid change and it is not expected to impact splicing.

Labcorp Genetics (formerly Invitae), Labcorp
Classification: Likely benign for Familial cancer of breast. Last evaluated: 2022-02-17. Review status: criteria provided, single submitter. Criteria: Invitae Variant Classification Sherloc (09022015). Collection method: clinical testing. Allele origin: germline.

Ambry Genetics
Classification: Likely benign for Hereditary cancer-predisposing syndrome. Last evaluated: 2018-05-23. Review status: criteria provided, single submitter. Criteria: Ambry Variant Classification Scheme 2023. Collection method: clinical testing. Allele origin: germline.